The following is an entry in ClinVar:

NM_000417.3(IL2RA):c.229G>A (p.Asp77Asn)

Gene: IL2RA (interleukin 2 receptor subunit alpha; minus strand). Cytogenetic location: 10p15.1.
Variant type: single nucleotide variant.
Coding change: c.229G>A on transcript NM_000417.3 (MANE Select); coding-DNA position 229, G replaced by A.
Protein change: p.Asp77Asn; replaces aspartic acid 77 with asparagine.
Molecular consequence: missense variant.
Genome position (GRCh38, 1-based): chr10:6,025,861, C>T on the plus strand (G>A on the coding strand, the complement: IL2RA is on the minus strand). VCF-style: chr10-6025861-C-T. GRCh37 (hg19) VCF-style: chr10-6067824-C-T.
Other names: c.229G>A, p.Asp77Asn (NM_001308242.2, NM_001308243.2); short protein forms D77N.
Identifiers: ClinVar variation 844558 (VCV000844558.7), dbSNP rs1839474866, ClinGen allele CA375929896.
Genomic context (GRCh38, chr10:6,025,861, plus strand): 5'-TTTGTTCTTGGTAGTCACAGAAGGGACACTTACCAGAGCTTGTGCATTGACATTGGTTGT[C>T]CCAGGACGAGTGGCTAGAGTTTCCTGTACAGAGCATATAGAGTGACCCGCTTTTTATTCT-3'
Protein context (NP_000408.1, residues 67-87): CTGNSSHSSW[Asp77Asn]NQCQCTSSAT

ClinVar aggregate classification (germline): Uncertain significance (1 of 4 stars; one submission).

Conditions:
Immunodeficiency due to CD25 deficiency. Also called: IMMUNODEFICIENCY 41 WITH LYMPHOPROLIFERATION AND AUTOIMMUNITY; IL2RA DEFICIENCY; CD25 DEFICIENCY. Identifiers: Orphanet 169100, MedGen C1853392, MONDO:0011664, OMIM 606367.

Submission:

Labcorp Genetics (formerly Invitae), Labcorp
Classification: Uncertain significance for Immunodeficiency due to CD25 deficiency. Last evaluated: 2022-12-06. Review status: criteria provided, single submitter. Criteria: Invitae Variant Classification Sherloc (09022015). Collection method: clinical testing. Allele origin: germline.
Comment: This sequence change replaces aspartic acid, which is acidic and polar, with asparagine, which is neutral and polar, at codon 77 of the IL2RA protein (p.Asp77Asn). This variant is not present in population databases (gnomAD no frequency). This variant has not been reported in the literature in individuals affected with IL2RA-related conditions. ClinVar contains an entry for this variant (Variation ID: 844558). In summary, the available evidence is currently insufficient to determine the role of this variant in disease. Therefore, it has been classified as a Variant of Uncertain Significance. Advanced modeling of protein sequence and biophysical properties (such as structural, functional, and spatial information, amino acid conservation, physicochemical variation, residue mobility, and thermodynamic stability) performed at Invitae indicates that this missense variant is not expected to disrupt IL2RA protein function.